The following continues an entry in ClinVar:

NM_000421.5(KRT10):c.467G>A (p.Arg156His)

ClinVar aggregate classification (germline): Pathogenic. Pathogenic (8).

Submissions 8 to 11 of 11:

Neuberg Centre For Genomic Medicine, NCGM
Classification: Pathogenic for Epidermolytic hyperkeratosis 1. Review status: criteria provided, single submitter. Criteria: ACMG Guidelines, 2015. Collection method: clinical testing. Allele origin: germline. Affected: yes.
Comment: The missense variant p.R156H in KRT10 (NM_000421.5) has been previously reported with epidermolytic hyperkeratosis in multiple affected patients (Virtanen M et al; Li et al). The variant is situated in a hotspot and other mutations affecting the same codon have been reported to be disease causing (Haruna et al; Bygum et al). The variant has been submitted to ClinVar as Pathogenic. The p.R156H variant is novel (not in any individuals) in gnomAD Exomes and is novel (not in any individuals) in 1000 Genomes. There is a small physicochemical difference between arginine and histidine, which is not likely to impact secondary protein structure as these residues share similar properties. The p.R156H missense variant is predicted to be damaging by both SIFT and PolyPhen2. The arginine residue at codon 156 of KRT10 is conserved in all mammalian species. The nucleotide c.467 in KRT10 is predicted conserved by GERP++ and PhyloP across 100 vertebrates. For these reasons, this variant has been classified as Pathogenic.

PreventionGenetics, part of Exact Sciences
Classification: Pathogenic for KRT10-related condition. Last evaluated: 2024-06-03. Review status: no assertion criteria provided. Collection method: clinical testing. Allele origin: germline. Not counted in ClinVar's aggregate classification.
Comment: The KRT10 c.467G>A variant is predicted to result in the amino acid substitution p.Arg156His. This variant has been previously reported, in the heterozygous state, in individuals with epidermolytic hyperkeratosis or hereditary ichthyosis (Cheng et al. 1992. PubMed ID: 1381287; Virtanen et al. 2001. PubMed ID: 11558869; Li et al. 2014. PubMed ID: 25214791; Cheng et al. 2020. PubMed ID: 31953843). This variant has not been reported in a large population database, indicating this variant is rare. This variant is interpreted as pathogenic.

OMIM
Classification: Pathogenic for EPIDERMOLYTIC HYPERKERATOSIS 2A, AUTOSOMAL DOMINANT. Last evaluated: 1994-02-01. Review status: no assertion criteria provided. Collection method: literature only. Allele origin: germline. Not counted in ClinVar's aggregate classification.

Epithelial Biology;  Institute of Medical Biology, Singapore
No classification provided. Review status: no classification provided. Collection method: not provided. Allele origin: not provided. Not counted in ClinVar's aggregate classification.

Literature cited by the submitters: PubMed 1381287 (cited by Labcorp Genetics (formerly Invitae), Labcorp and Genetics Department, Catlab); PubMed 24001792 (cited by Labcorp Genetics (formerly Invitae), Labcorp and Genetics Department, Catlab); PubMed 7512983 (cited by Labcorp Genetics (formerly Invitae), Labcorp); PubMed 22930352 (cited by Labcorp Genetics (formerly Invitae), Labcorp); PubMed 26176760 (cited by 3 submitters); PubMed 28532675 (cited by Labcorp Genetics (formerly Invitae), Labcorp); PubMed 16505000 (cited by Victorian Clinical Genetics Services, Murdoch Childrens Research Institute); PubMed 18219278 (cited by Victorian Clinical Genetics Services, Murdoch Childrens Research Institute); PubMed 20798280 (cited by Victorian Clinical Genetics Services, Murdoch Childrens Research Institute); PubMed 21271994 (cited by Victorian Clinical Genetics Services, Murdoch Childrens Research Institute); PubMed 25214791 (cited by Victorian Clinical Genetics Services, Murdoch Childrens Research Institute); PubMed 31638346 (cited by Victorian Clinical Genetics Services, Murdoch Childrens Research Institute); PubMed 33081034 (cited by Victorian Clinical Genetics Services, Murdoch Childrens Research Institute); PubMed 1380725 (cited by OMIM); PubMed 7509230 (cited by OMIM); PubMed 7508181 (cited by OMIM).